The following is an entry in ClinVar:

ClinVar aggregate classification (germline): Benign (0 of 4 stars; one submission).

Conditions:
BMS1-related disorder. Also called: BMS1-related condition.

Allele frequency attached by ClinVar (database versions not stated): TOPMed 0.00566; gnomAD 0.00988; ExAC 0.02144; 1000 Genomes Project 30x 0.03576; 1000 Genomes Project 0.04133.
gnomAD v4.1: 15,906 of 1,611,540 alleles (0.99%); highest among the groups gnomAD compares: East Asian, 14%; 732 homozygotes.

Submission:

PreventionGenetics, part of Exact Sciences
Classification: Benign for BMS1-related condition. Last evaluated: 2019-10-31. Review status: no assertion criteria provided. Collection method: clinical testing. Allele origin: germline.
Comment: This variant is classified as benign based on ACMG/AMP sequence variant interpretation guidelines (Richards et al. 2015 PMID: 25741868, with internal and published modifications).

NM_014753.4(BMS1):c.2590G>A (p.Ala864Thr)

Gene: BMS1 (BMS1 ribosome biogenesis factor; plus strand). Cytogenetic location: 10q11.21.
Variant type: single nucleotide variant.
Coding change: c.2590G>A on transcript NM_014753.4 (MANE Select); coding-DNA position 2590, G replaced by A.
Protein change: p.Ala864Thr; replaces alanine 864 with threonine.
Molecular consequence: missense variant.
Genome position (GRCh38, 1-based): chr10:42,820,245, G>A. VCF-style: chr10-42820245-G-A. GRCh37 (hg19) VCF-style: chr10-43315693-G-A.
Other names: short protein forms A864T.
Identifiers: ClinVar variation 3055798 (VCV003055798.2), dbSNP rs117641896, ClinGen allele CA5476067.
Genomic context (GRCh38, chr10:42,820,245, plus strand): 5'-GTTTATTACAGATAACAGCATACAGGTTTTTTTATTCCCCATCATGTACAGCTGAATCGC[G>A]CAGAATTTGAAGATCAAGATGATGAAGCCAGAGTTCAGTATGAGGGTTTTCGACCTGGGA-3'
Protein context (NP_055568.3, residues 854-874): EMQKQAQLNR[Ala864Thr]EFEDQDDEAR